The following is an entry in ClinVar:

NM_000540.3(RYR1):c.5942T>G (p.Ile1981Arg)

Gene: RYR1 (ryanodine receptor 1; plus strand). Cytogenetic location: 19q13.2.
Variant type: single nucleotide variant.
Coding change: c.5942T>G on transcript NM_000540.3 (MANE Select); coding-DNA position 5942, T replaced by G.
Protein change: p.Ile1981Arg; replaces isoleucine 1981 with arginine.
Molecular consequence: missense variant.
Genome position (GRCh38, 1-based): chr19:38,490,203, T>G. VCF-style: chr19-38490203-T-G. GRCh37 (hg19) VCF-style: chr19-38980843-T-G.
Other names: c.5942T>G, p.Ile1981Arg (NM_001042723.2); short protein forms I1981R.
Identifiers: ClinVar variation 392731 (VCV000392731.12), dbSNP rs1057524609, ClinGen allele CA16608207.

ClinVar aggregate classification (germline): Uncertain significance. Review status: criteria provided, multiple submitters, no conflicts (2 of 4 stars). 6 submissions from 6 submitters: Uncertain significance (6). Last evaluated 2026-05-11.

Conditions:
RYR1-related disorder. Also called: RYR1-related condition; RYR1-related disorders. Identifiers: MedGen CN239331.
Inborn genetic diseases. Identifiers: MedGen C0950123, MeSH D030342.
Malignant hyperthermia, susceptibility to, 1 (MHS1). Also called: RYR1-Related Malignant Hyperthermia Susceptibility; Malignant hyperthermia suceptibility 1; Anesthesia related hyperthermia; Malignant hyperpyrexia; Fulminating hyperpyrexia; Pharmacogenic myopathy. Identifiers: Orphanet 423, MedGen C2930980, MONDO:0007783, OMIM 145600.

Allele frequency attached by ClinVar (database versions not stated): TOPMed 0.00001; gnomAD exomes below 0.00001; gnomAD 0.00001.
gnomAD v4.1: 3 of 1,614,080 alleles (0.00019%); highest among the groups gnomAD compares: Non-Finnish European, 0.00025%; no homozygotes.

Submissions (6):

Ambry Genetics
Classification: Uncertain significance for Inborn genetic diseases. Last evaluated: 2026-05-11. Review status: criteria provided, single submitter. Criteria: Ambry Variant Classification Scheme 2023. Collection method: clinical testing. Allele origin: germline.

Greenwood Genetic Center Diagnostic Laboratories, Greenwood Genetic Center
Classification: Uncertain significance. Last evaluated: 2025-11-20. Review status: criteria provided, single submitter. Criteria: ACMG Guidelines, 2015. Collection method: clinical testing. Allele origin: germline. Affected: yes.
Comment: PM2, PP2

Labcorp Genetics (formerly Invitae), Labcorp
Classification: Uncertain significance for RYR1-related disorder. Last evaluated: 2025-07-23. Review status: criteria provided, single submitter. Criteria: Invitae Variant Classification Sherloc (09022015). Collection method: clinical testing. Allele origin: germline.
Comment: This sequence change replaces isoleucine, which is neutral and non-polar, with arginine, which is basic and polar, at codon 1981 of the RYR1 protein (p.Ile1981Arg). This variant is present in population databases (no rsID available, gnomAD 0.0009%). This variant has not been reported in the literature in individuals affected with RYR1-related conditions. ClinVar contains an entry for this variant (Variation ID: 392731). Invitae Evidence Modeling of protein sequence and biophysical properties (such as structural, functional, and spatial information, amino acid conservation, physicochemical variation, residue mobility, and thermodynamic stability) indicates that this missense variant is not expected to disrupt RYR1 protein function with a negative predictive value of 80%. In summary, the available evidence is currently insufficient to determine the role of this variant in disease. Therefore, it has been classified as a Variant of Uncertain Significance.

Color Diagnostics, LLC DBA Color Health
Classification: Uncertain significance for Malignant hyperthermia, susceptibility to, 1. Last evaluated: 2024-03-06. Review status: criteria provided, single submitter. Criteria: ACMG Guidelines, 2015. Collection method: clinical testing. Allele origin: germline.
Comment: This missense variant replaces isoleucine with arginine at codon 1981 of the RYR1 protein. Computational prediction suggests that this variant may not impact protein structure and function. To our knowledge, functional studies have not been reported for this variant. This variant has not been reported in individuals affected with RYR1-related disorders in the literature. This variant has been identified in 1/251324 chromosomes in the general population by the Genome Aggregation Database (gnomAD). The available evidence is insufficient to determine the role of this variant in disease conclusively. Therefore, this variant is classified as a Variant of Uncertain Significance.

All of Us Research Program, National Institutes of Health
Classification: Uncertain significance for Malignant hyperthermia, susceptibility to, 1. Last evaluated: 2024-02-08. Review status: criteria provided, single submitter. Criteria: ACMG Guidelines, 2015. Collection method: clinical testing. Allele origin: germline. Inheritance: Autosomal dominant inheritance. Observed: 2 variant alleles, 2 heterozygotes.
Comment: This missense variant replaces isoleucine with arginine at codon 1981 of the RYR1 protein. Computational prediction suggests that this variant may not impact protein structure and function (internally defined REVEL score threshold <= 0.5, PMID: 27666373). To our knowledge, functional studies have not been reported for this variant. This variant has not been reported in individuals affected with RYR1-related disorders in the literature. This variant has been identified in 1/251324 chromosomes in the general population by the Genome Aggregation Database (gnomAD). The available evidence is insufficient to determine the role of this variant in disease conclusively. Therefore, this variant is classified as a Variant of Uncertain Significance.

This study involves interpretation of variants in research participants for the purpose of population health screening. Participant phenotype was not available at the time of variant classification. Additional details can be found in publication PMID: 35346344, PMCID: PMC8962531

GeneDx
Classification: Uncertain significance. Last evaluated: 2022-05-20. Review status: criteria provided, single submitter. Criteria: GeneDx Variant Classification Process June 2021. Collection method: clinical testing. Allele origin: germline. Affected: yes.
Comment: Not observed at a significant frequency in large population cohorts (gnomAD); In silico analysis supports that this missense variant has a deleterious effect on protein structure/function; Has not been previously published as pathogenic or benign to our knowledge